The following is an entry in ClinVar:

NM_003579.4(RAD54L):c.1859G>A (p.Arg620His)

Gene: RAD54L (RAD54 like; plus strand). Cytogenetic location: 1p34.1.
Variant type: single nucleotide variant.
Coding change: c.1859G>A on transcript NM_003579.4 (MANE Select); coding-DNA position 1859, G replaced by A.
Protein change: p.Arg620His; replaces arginine 620 with histidine.
Molecular consequence: missense variant.
Genome position (GRCh38, 1-based): chr1:46,274,707, G>A. VCF-style: chr1-46274707-G-A. GRCh37 (hg19) VCF-style: chr1-46740379-G-A.
Other names: c.1859G>A, p.Arg620His (NM_001142548.2); c.1319G>A, p.Arg440His (NM_001370766.1); short protein forms R440H, R620H.
Identifiers: ClinVar variation 1781457 (VCV001781457.3), dbSNP rs550980888, ClinGen allele CA834730.

ClinVar aggregate classification (germline): Uncertain significance (1 of 4 stars; one submission).

Allele frequency attached by ClinVar (database versions not stated): ExAC 0.00001; TOPMed 0.00002; gnomAD 0.00003; gnomAD exomes 0.00003; 1000 Genomes Project 30x 0.00031; 1000 Genomes Project 0.00040.
gnomAD v4.1: 50 of 1,614,082 alleles (0.0031%); highest among the groups gnomAD compares: South Asian, 0.023%; 1 homozygote.

Submission:

Ambry Genetics
Classification: Uncertain significance. Last evaluated: 2023-07-28. Review status: criteria provided, single submitter. Criteria: Ambry Variant Classification Scheme 2023. Collection method: clinical testing. Allele origin: germline.
Comment: The p.R620H variant (also known as c.1859G>A), located in coding exon 16 of the RAD54L gene, results from a G to A substitution at nucleotide position 1859. The arginine at codon 620 is replaced by histidine, an amino acid with highly similar properties. This amino acid position is conserved. In addition, this alteration is predicted to be deleterious by in silico analysis. Since supporting evidence is limited at this time, the clinical significance of this alteration remains unclear.